The following is an entry in ClinVar:

ClinVar aggregate classification (germline): Uncertain significance (1 of 4 stars; one submission).

Submission:

Dasa
Classification: Uncertain significance. Last evaluated: 2024-08-28. Review status: criteria provided, single submitter. Criteria: DASA Assertion Criteria. Collection method: clinical testing. Allele origin: germline.
Comment: NM_016252.4(BIRC6):c.5537A>C (p.Asp1846Ala) is a missense variant that results in the substitution of aspartic acid with alanine. This variant is absent from population databases. Computational prediction algorithms are consistent with a deleterious effect. The currently available literature and clinical evidence are not sufficient to establish a definitive association between this variant and the reported condition. Therefore, this variant is classified as a variant of uncertain significance.

NM_016252.4(BIRC6):c.5537A>C (p.Asp1846Ala)

Gene: BIRC6 (baculoviral IAP repeat containing 6; plus strand). Cytogenetic location: 2p22.3.
Variant type: single nucleotide variant.
Coding change: c.5537A>C on transcript NM_016252.4 (MANE Select); coding-DNA position 5537, A replaced by C.
Protein change: p.Asp1846Ala; replaces aspartic acid 1846 with alanine.
Molecular consequence: missense variant.
Genome position (GRCh38, 1-based): chr2:32,467,705, A>C. VCF-style: chr2-32467705-A-C. GRCh37 (hg19) VCF-style: chr2-32692773-A-C.
Other names: c.5507A>C, p.Asp1836Ala (NM_001378125.1); short protein forms D1836A, D1846A.
Identifiers: ClinVar variation 4885383 (VCV004885383.2).